The following is an entry in ClinVar:

NM_004655.4(AXIN2):c.385C>G (p.Arg129Gly)

Gene: AXIN2 (axin 2; minus strand). Cytogenetic location: 17q24.1.
Variant type: single nucleotide variant.
Coding change: c.385C>G on transcript NM_004655.4 (MANE Select); coding-DNA position 385, C replaced by G.
Protein change: p.Arg129Gly; replaces arginine 129 with glycine.
Molecular consequence: missense variant.
Genome position (GRCh38, 1-based): chr17:65,558,236, G>C on the plus strand (C>G on the coding strand, the complement: AXIN2 is on the minus strand). VCF-style: chr17-65558236-G-C. GRCh37 (hg19) VCF-style: chr17-63554354-G-C.
Other names: c.385C>G, p.Arg129Gly (NM_001363813.1); short protein forms R129G.
Identifiers: ClinVar variation 3814661 (VCV003814661.1).

ClinVar aggregate classification (germline): Uncertain significance (1 of 4 stars; one submission).

Conditions:
Hereditary cancer-predisposing syndrome. Also called: Hereditary neoplastic syndrome; Neoplastic Syndromes, Hereditary; Tumor predisposition; Hereditary Cancer Syndrome. Identifiers: Orphanet 140162, MedGen C0027672, MeSH D009386, MONDO:0015356.

Submission:

Ambry Genetics
Classification: Uncertain significance for Hereditary cancer-predisposing syndrome. Last evaluated: 2025-02-11. Review status: criteria provided, single submitter. Criteria: Ambry Variant Classification Scheme 2023. Collection method: clinical testing. Allele origin: germline.
Comment: The p.R129G variant (also known as c.385C>G), located in coding exon 1 of the AXIN2 gene, results from a C to G substitution at nucleotide position 385. The arginine at codon 129 is replaced by glycine, an amino acid with dissimilar properties. This amino acid position is conserved. In addition, this alteration is predicted to be tolerated by in silico analysis. Based on the available evidence, the clinical significance of this variant remains unclear.